The following is an entry in ClinVar:

NM_000521.4(HEXB):c.552T>G (p.Tyr184Ter)

Gene: HEXB (hexosaminidase subunit beta; plus strand). Cytogenetic location: 5q13.3.
Variant type: single nucleotide variant.
Coding change: c.552T>G on transcript NM_000521.4 (MANE Select); coding-DNA position 552, T replaced by G.
Protein change: p.Tyr184Ter; replaces tyrosine 184 with a stop codon.
Molecular consequence: nonsense. On other transcripts: 5 prime UTR variant (1).
Genome position (GRCh38, 1-based): chr5:74,696,733, T>G. VCF-style: chr5-74696733-T-G. GRCh37 (hg19) VCF-style: chr5-73992558-T-G.
Other names: c.-124T>G (NM_001292004.2); short protein forms Y184*.
Identifiers: ClinVar variation 280067 (VCV000280067.19), dbSNP rs573447174, ClinGen allele CA10602991.

ClinVar aggregate classification (germline): Pathogenic. Review status: criteria provided, multiple submitters, no conflicts (2 of 4 stars). 6 submissions from 6 submitters: Pathogenic (5). 1 of the submissions does not count toward it. Last evaluated 2026-08-07.

Conditions:
Sandhoff disease. Also called: GM2-GANGLIOSIDOSIS, TYPE II; HEXOSAMINIDASES A AND B DEFICIENCY; Beta-hexosaminidase-beta-subunit deficiency; GM2 gangliosidosis, type 2; Total hexosaminidase deficiency; Sandhoff-Jatzkewitz-Pilz disease. Identifiers: Orphanet 796, MedGen C0036161, MONDO:0010006, OMIM 268800.

Allele frequency attached by ClinVar (database versions not stated): TOPMed 0.00002.
gnomAD v4.1: 9 of 1,436,982 alleles (0.00063%); highest among the groups gnomAD compares: Non-Finnish European, 0.00088%; no homozygotes.

Submissions (6):

GeneDx
Classification: Pathogenic. Last evaluated: 2026-08-07. Review status: criteria provided, single submitter. Criteria: GeneDx Variant Classification Process June 2021. Collection method: clinical testing. Allele origin: germline.
Comment: Not observed at significant frequency in large population cohorts (gnomAD); Nonsense variant predicted to result in protein truncation or nonsense mediated decay in a gene for which loss of function is a known mechanism of disease; This variant is associated with the following publications: (PMID: 23010210, 23046579, 29448188)

Natera, Inc.
Classification: Pathogenic for Sandhoff disease. Last evaluated: 2025-11-03. Review status: criteria provided, single submitter. Criteria: Natera Variant Classification Schema (03/2026). Collection method: clinical testing. Allele origin: germline.
Comment: The c.552T>G variant in HEXB is a nonsense variant predicted to introduce a stop codon at amino acid 184. This variant is expected to result in nonsense mediated decay, truncation, or a dysfunctional protein product. This variant is rare in the general population with a frequency below the threshold expected for the associated phenotype(s). This variant has been observed in one or more individuals affected with the associated recessive disease, as either homozygous or compound heterozygous with a second variant (PMID: 23010210). Given the available evidence, this variant is classified as Pathogenic.

Labcorp Genetics (formerly Invitae), Labcorp
Classification: Pathogenic for Sandhoff disease. Last evaluated: 2025-02-20. Review status: criteria provided, single submitter. Criteria: Invitae Variant Classification Sherloc (09022015). Collection method: clinical testing. Allele origin: germline.
Comment: This sequence change creates a premature translational stop signal (p.Tyr184*) in the HEXB gene. It is expected to result in an absent or disrupted protein product. Loss-of-function variants in HEXB are known to be pathogenic (PMID: 7550345, 18758829). This variant is not present in population databases (gnomAD no frequency). This premature translational stop signal has been observed in individual(s) with Sandhoff disease (PMID: 23046579). ClinVar contains an entry for this variant (Variation ID: 280067). Algorithms developed to predict the effect of sequence changes on RNA splicing suggest that this variant may disrupt the consensus splice site. For these reasons, this variant has been classified as Pathogenic.

Fulgent Genetics
Classification: Pathogenic for Sandhoff disease. Last evaluated: 2022-03-22. Review status: criteria provided, single submitter. Criteria: ACMG Guidelines, 2015. Collection method: clinical testing. Allele origin: unknown.

Women's Health and Genetics/Laboratory Corporation of America, LabCorp
Classification: Pathogenic for Sandhoff disease. Last evaluated: 2021-09-12. Review status: criteria provided, single submitter. Criteria: LabCorp Variant Classification Summary - May 2015. Collection method: clinical testing. Allele origin: germline.
Comment: Variant summary: HEXB c.552T>G (p.Tyr184X) results in a premature termination codon, predicted to cause a truncation of the encoded protein or absence of the protein due to nonsense mediated decay, which are commonly known mechanisms for disease. Truncations downstream of this position have been classified as pathogenic by our laboratory. The variant was absent in 246712 control chromosomes. c.552T>G has been reported in the literature in individuals affected with Sandhoff Disease (example, Sobek_2012, Gaignard_2013, Mahdieh_2018). To our knowledge, no experimental evidence demonstrating an impact on protein function has been reported. Three clinical diagnostic laboratories have submitted clinical-significance assessments for this variant to ClinVar after 2014 without evidence for independent evaluation. All laboratories classified the variant as pathogenic/likely pathogenic. Based on the evidence outlined above, the variant was classified as pathogenic.

Counsyl
Classification: Likely pathogenic for Sandhoff disease. Last evaluated: 2017-04-05. Review status: no assertion criteria provided. Collection method: clinical testing. Allele origin: unknown. Not counted in ClinVar's aggregate classification.

Literature cited by the submitters: PubMed 23010210 (cited by Natera, Inc. and Women's Health and Genetics/Laboratory Corporation of America, LabCorp); PubMed 7550345 (cited by Labcorp Genetics (formerly Invitae), Labcorp); PubMed 18758829 (cited by Labcorp Genetics (formerly Invitae), Labcorp); PubMed 23046579 (cited by 3 submitters); PubMed 29448188 (cited by Women's Health and Genetics/Laboratory Corporation of America, LabCorp).